The following is an entry in ClinVar:

NM_015158.5(KANK1):c.817C>T (p.Arg273Cys)

Gene: KANK1 (KN motif and ankyrin repeat domains 1; plus strand). Cytogenetic location: 9p24.3.
Variant type: single nucleotide variant.
Coding change: c.817C>T on transcript NM_015158.5 (MANE Select); coding-DNA position 817, C replaced by T.
Protein change: p.Arg273Cys; replaces arginine 273 with cysteine.
Molecular consequence: missense variant. On other transcripts: non-coding transcript variant (1).
Genome position (GRCh38, 1-based): chr9:711,583, C>T. VCF-style: chr9-711583-C-T. GRCh37 (hg19) VCF-style: chr9-711583-C-T.
Other names: c.817C>T, p.Arg273Cys (NM_001256876.3, NM_001256877.3, NM_001354331.2 and 2 more transcripts); c.343C>T, p.Arg115Cys (NM_001354333.2, NM_001354335.2, NM_001354336.2 and 9 more transcripts); short protein forms R115C, R273C.
Identifiers: ClinVar variation 1676114 (VCV001676114.34), dbSNP rs137938410, ClinGen allele CA187836350.
Genomic context (GRCh38, chr9:711,583, plus strand): 5'-ACCAACGTGAGCCCCATGCACCTGCAGCACATCCGCGAGCAGATGGCCATTGCTCTGAAA[C>T]GCCTGAAGGAGCTGGAGGAGCAGGTGCGAACCATCCCTGTGCTCCAGGTAAAGATCTCTG-3'
Protein context (NP_055973.2, residues 263-283): IREQMAIALK[Arg273Cys]LKELEEQVRT

ClinVar aggregate classification (germline): Conflicting classifications of pathogenicity. Review status: criteria provided, conflicting classifications (1 of 4 stars). 2 submissions from 2 submitters: Uncertain significance (1); Likely benign (1). Last evaluated 2026-01-05.

Allele frequency attached by ClinVar (database versions not stated): gnomAD 0.00005 and 0.00006; TOPMed 0.00006; ESP Exome Variant Server 0.00008.
gnomAD v4.1: 49 of 1,613,940 alleles (0.003%); highest among the groups gnomAD compares: African/African-American, 0.008%; no homozygotes.

Submissions (2):

Labcorp Genetics (formerly Invitae), Labcorp
Classification: Uncertain significance. Last evaluated: 2026-01-05. Review status: criteria provided, single submitter. Criteria: Invitae Variant Classification Sherloc (09022015). Collection method: clinical testing. Allele origin: germline.
Comment: This sequence change replaces arginine, which is basic and polar, with cysteine, which is neutral and slightly polar, at codon 273 of the KANK1 protein (p.Arg273Cys). This variant is present in population databases (rs137938410, gnomAD 0.01%). This variant has not been reported in the literature in individuals affected with KANK1-related conditions. ClinVar contains an entry for this variant (Variation ID: 1676114). Invitae Evidence Modeling of protein sequence and biophysical properties (such as structural, functional, and spatial information, amino acid conservation, physicochemical variation, residue mobility, and thermodynamic stability) indicates that this missense variant is expected to disrupt KANK1 protein function with a positive predictive value of 80%. In summary, the available evidence is currently insufficient to determine the role of this variant in disease. Therefore, it has been classified as a Variant of Uncertain Significance.

CeGaT Center for Human Genetics Tuebingen
Classification: Likely benign. Last evaluated: 2022-03-01. Review status: criteria provided, single submitter. Criteria: CeGaT Center For Human Genetics Tuebingen Variant Classification Criteria Version 2. Collection method: clinical testing. Allele origin: germline. Affected: yes. Observed: 1 variant allele.
Comment: KANK1: BS2